The following is an entry in ClinVar:

NM_020461.4(TUBGCP6):c.373G>C (p.Val125Leu)

Gene: TUBGCP6 (tubulin gamma complex component 6; minus strand). Cytogenetic location: 22q13.33.
Variant type: single nucleotide variant.
Coding change: c.373G>C on transcript NM_020461.4 (MANE Select); coding-DNA position 373, G replaced by C.
Protein change: p.Val125Leu; replaces valine 125 with leucine.
Molecular consequence: missense variant.
Genome position (GRCh38, 1-based): chr22:50,244,087, C>G on the plus strand (G>C on the coding strand, the complement: TUBGCP6 is on the minus strand). VCF-style: chr22-50244087-C-G. GRCh37 (hg19) VCF-style: chr22-50682516-C-G.
Other names: short protein forms V125L.
Identifiers: ClinVar variation 1396621 (VCV001396621.8), dbSNP rs1222774232, ClinGen allele CA412115589.

ClinVar aggregate classification (germline): Uncertain significance (1 of 4 stars; one submission).

Submission:

Labcorp Genetics (formerly Invitae), Labcorp
Classification: Uncertain significance. Last evaluated: 2022-09-12. Review status: criteria provided, single submitter. Criteria: Invitae Variant Classification Sherloc (09022015). Collection method: clinical testing. Allele origin: germline.
Comment: This sequence change replaces valine, which is neutral and non-polar, with leucine, which is neutral and non-polar, at codon 125 of the TUBGCP6 protein (p.Val125Leu). In summary, the available evidence is currently insufficient to determine the role of this variant in disease. Therefore, it has been classified as a Variant of Uncertain Significance. Algorithms developed to predict the effect of missense changes on protein structure and function output the following: SIFT: "Tolerated"; PolyPhen-2: "Benign"; Align-GVGD: "Class C0". The leucine amino acid residue is found in multiple mammalian species, which suggests that this missense change does not adversely affect protein function. ClinVar contains an entry for this variant (Variation ID: 1396621). This variant has not been reported in the literature in individuals affected with TUBGCP6-related conditions. This variant is not present in population databases (gnomAD no frequency).